The following is an entry in ClinVar:

ClinVar aggregate classification (germline): Pathogenic. Review status: criteria provided, multiple submitters, no conflicts (2 of 4 stars). 2 submissions from 2 submitters: Pathogenic (2). Last evaluated 2023-06-08.

Conditions:
Hereditary diffuse gastric adenocarcinoma (HDGC). Also called: DIFFUSE GASTRIC AND LOBULAR BREAST CANCER SYNDROME. Identifiers: Orphanet 26106, MedGen C1708349, MONDO:0007648, OMIM 137215.

Submissions (2):

Myriad Genetics, Inc.
Classification: Pathogenic for Hereditary diffuse gastric adenocarcinoma. Last evaluated: 2023-06-08. Review status: criteria provided, single submitter. Criteria: Myriad Autosomal Dominant, Autosomal Recessive and X-Linked Classification Criteria (2023). Collection method: clinical testing. Allele origin: unknown.
Comment: This variant is considered pathogenic. This variant creates a termination codon and is predicted to result in premature protein truncation.

Labcorp Genetics (formerly Invitae), Labcorp
Classification: Pathogenic for Hereditary diffuse gastric adenocarcinoma. Last evaluated: 2022-12-16. Review status: criteria provided, single submitter. Criteria: Invitae Variant Classification Sherloc (09022015). Collection method: clinical testing. Allele origin: germline.
Comment: For these reasons, this variant has been classified as Pathogenic. Algorithms developed to predict the effect of sequence changes on RNA splicing suggest that this variant may disrupt the consensus splice site. This variant has not been reported in the literature in individuals affected with CDH1-related conditions. This variant is not present in population databases (gnomAD no frequency). This sequence change creates a premature translational stop signal (p.Gln16*) in the CDH1 gene. It is expected to result in an absent or disrupted protein product. Loss-of-function variants in CDH1 are known to be pathogenic (PMID: 15235021, 20373070).

Literature cited by the submitters: PubMed 15235021 (cited by Labcorp Genetics (formerly Invitae), Labcorp); PubMed 20373070 (cited by Labcorp Genetics (formerly Invitae), Labcorp).

NM_004360.5(CDH1):c.46C>T (p.Gln16Ter)

Gene: CDH1 (cadherin 1; plus strand). Cytogenetic location: 16q22.1.
Variant type: single nucleotide variant.
Coding change: c.46C>T on transcript NM_004360.5 (MANE Select); coding-DNA position 46, C replaced by T.
Protein change: p.Gln16Ter; replaces glutamine 16 with a stop codon.
Molecular consequence: nonsense. On other transcripts: 5 prime UTR variant (2).
Genome position (GRCh38, 1-based): chr16:68,737,461, C>T. VCF-style: chr16-68737461-C-T. GRCh37 (hg19) VCF-style: chr16-68771364-C-T.
Other names: c.46C>T, p.Gln16Ter (NM_001317184.2); c.-1570C>T (NM_001317185.2); c.-1774C>T (NM_001317186.2); short protein forms Q16*.
Identifiers: ClinVar variation 2583204 (VCV002583204.5), dbSNP rs770244203, ClinGen allele CA8129776.